The following is an entry in ClinVar:

ClinVar aggregate classification (germline): Conflicting classifications of pathogenicity. Review status: criteria provided, conflicting classifications (1 of 4 stars). 6 submissions from 6 submitters: Pathogenic (5); Uncertain significance (1). Last evaluated 2025-06-25.

Conditions:
Dilated cardiomyopathy 1I (CMD1I). Identifiers: Orphanet 154, MedGen C1858154, MONDO:0011482, OMIM 604765.
Desmin-related myofibrillar myopathy (MFM1). Also called: MYOFIBRILLAR MYOPATHY WITH ARRHYTHMOGENIC RIGHT VENTRICULAR CARDIOMYOPATHY; DESMIN-RELATED MYOPATHY WITH ARRHYTHMOGENIC RIGHT VENTRICULAR CARDIOMYOPATHY; Myofibrillar myopathy 1; Desminopathy; Desmin related myopathy (former name); Desmin storage myopathy (former name). Identifiers: Orphanet 363543, Orphanet 98909, MedGen C1832370, MONDO:0011076, OMIM 601419.
Cardiovascular phenotype. Identifiers: MedGen CN230736.
Neurogenic scapuloperoneal syndrome, Kaeser type (SCPNK). Also called: KAESER SYNDROME. Identifiers: Orphanet 85146, MedGen C1867005, MONDO:0008407, OMIM 181400.

Allele frequency attached by ClinVar (database versions not stated): gnomAD exomes 0.00001; gnomAD 0.00001; TOPMed 0.00001.
gnomAD v4.1: 14 of 1,566,156 alleles (0.00089%); highest among the groups gnomAD compares: Non-Finnish European, 0.0012%; no homozygotes.

Submissions (6):

Ambry Genetics
Classification: Uncertain significance for Cardiovascular phenotype. Last evaluated: 2025-06-25. Review status: criteria provided, single submitter. Criteria: Ambry Variant Classification Scheme 2023. Collection method: clinical testing. Allele origin: germline.
Comment: The p.E108* variant (also known as c.322G>T), located in coding exon 1 of the DES gene, results from a G to T substitution at nucleotide position 322. This changes the amino acid from a glutamic acid to a stop codon within coding exon 1. This variant has been identified in the homozygous state and/or in conjunction with other DES variant(s) in individual(s) with features consistent with myofibrillar myopathy; in at least one instance, the variants were identified in trans (Henderson M et al. Acta Neuropathol, 2013 Jun;125:917-9; T&ouml;pf A et al. Genet Med, 2020 Sep;22:1478-1488; Natera-de Benito D et al. Pediatr Neurol, 2021 Feb;115:50-65). This alteration is expected to result in loss of function by premature protein truncation or nonsense-mediated mRNA decay. Although biallelic loss of function of DES has been associated with autosomal recessive myofibrillar myopathy, haploinsufficiency of DES has not been established as a mechanism of disease for autosomal dominant myopathy. Based on the supporting evidence, this variant is expected to be causative of autosomal recessive myofibrillar myopathy when present along with a second pathogenic variant on the other allele; however, its clinical significance for autosomal dominant myopathy is unclear.

Dasa
Classification: Pathogenic. Last evaluated: 2025-02-27. Review status: criteria provided, single submitter. Criteria: DASA Assertion Criteria. Collection method: clinical testing. Allele origin: germline.
Comment: NM_001927.4(DES):c.322G>T (p.Glu108*) introduces a premature termination codon predicted to result in loss of normal protein function. Loss-of-function is an established mechanism of disease for this gene. Segregation evidence has been reported in affected families. This variant has been observed in affected individuals with related phenotype in a genotype context consistent with recessive disease (PMID: 23575897; PMID: 33333461). This variant has been recurrently observed in individuals with related phenotype (PMID: 23575897; PMID: 33333461). The variant is present at low frequency in population datasets. Based on the available data, this variant is classified as pathogenic.

Labcorp Genetics (formerly Invitae), Labcorp
Classification: Pathogenic for Desmin-related myofibrillar myopathy. Last evaluated: 2024-12-17. Review status: criteria provided, single submitter. Criteria: Invitae Variant Classification Sherloc (09022015). Collection method: clinical testing. Allele origin: germline.
Comment: This sequence change creates a premature translational stop signal (p.Glu108*) in the DES gene. It is expected to result in an absent or disrupted protein product. Loss-of-function variants in DES are known to be pathogenic (PMID: 23575897). The frequency data for this variant in the population databases is considered unreliable, as metrics indicate poor data quality at this position in the gnomAD database. This premature translational stop signal has been observed in individual(s) with autosomal recessive desmin-null muscular dystrophy (PMID: 23575897). It has also been observed to segregate with disease in related individuals. ClinVar contains an entry for this variant (Variation ID: 804737). For these reasons, this variant has been classified as Pathogenic.

Victorian Clinical Genetics Services, Murdoch Childrens Research Institute
Classification: Pathogenic for Desmin-related myofibrillar myopathy. Last evaluated: 2022-06-24. Review status: criteria provided, single submitter. Criteria: ACMG Guidelines, 2015. Collection method: clinical testing. Allele origin: germline. Inheritance: Autosomal recessive inheritance. Affected: no.
Comment: Based on the classification scheme VCGS_Germline_v1.3.4, this variant is classified as Pathogenic. Following criteria are met: 0103 - Dominant negative and loss of function and are known mechanisms of disease in this gene and are associated with dilated cardiomyopathy 1I (MIM#604765), myofibrillar myopathy 1 (MIM#601419) and scapuloperoneal syndrome, neurogenic, Kaeser type (MIM#181400). Dominant negative mechanism is reported for missenses associated with dominant myopathy (OMIM) and loss of function is a mechanism for recessive myopathy (PMID: 23575897). (I) 0108 - This gene is associated with both recessive and dominant disease (OMIM). (I) 0201 - Variant is predicted to cause nonsense-mediated decay (NMD) and loss of protein (premature termination codon is located at least 54 nucleotides upstream of the final exon-exon junction). (SP) 0251 - This variant is heterozygous. (I) 0304 - Variant is present in gnomAD (v3) <0.01 (2 heterozygotes, 0 homozygotes). (SP) 0701 - Other NMD predicted variants comparable to the one identified in this case have very strong previous evidence for pathogenicity (ClinVar). (SP) 0801 - This variant has strong previous evidence of pathogenicity in unrelated individuals. This variant has been reported as pathogenic in ClinVar. (SP) 1208 - Inheritance information for this variant is not currently available in this individual. (I) Legend: (SP) - Supporting pathogenic, (I) - Information, (SB) - Supporting benign

Fulgent Genetics
Classification: Pathogenic for Neurogenic scapuloperoneal syndrome, Kaeser type; Desmin-related myofibrillar myopathy; Dilated cardiomyopathy 1I. Last evaluated: 2021-10-18. Review status: criteria provided, single submitter. Criteria: ACMG Guidelines, 2015. Collection method: clinical testing. Allele origin: unknown.

Athena Diagnostics
Classification: Pathogenic. Last evaluated: 2018-12-28. Review status: criteria provided, single submitter. Criteria: Athena Diagnostics Criteria. Collection method: clinical testing. Allele origin: germline.
Comment: The variant creates a premature nonsense codon, and is therefore predicted to result in the loss of a functional protein. Found in at least one symptomatic patient, and found in general population data that is consistent with pathogenicity.

Literature cited by the submitters: PubMed 23575897 (cited by 5 submitters); PubMed 32528171 (cited by Ambry Genetics and Victorian Clinical Genetics Services, Murdoch Childrens Research Institute); PubMed 33333461 (cited by 3 submitters).

NM_001927.4(DES):c.322G>T (p.Glu108Ter)

Gene: DES (desmin; plus strand). Cytogenetic location: 2q35.
Variant type: single nucleotide variant.
Coding change: c.322G>T on transcript NM_001927.4 (MANE Select); coding-DNA position 322, G replaced by T.
Protein change: p.Glu108Ter; replaces glutamic acid 108 with a stop codon.
Molecular consequence: nonsense.
Genome position (GRCh38, 1-based): chr2:219,418,784, G>T. VCF-style: chr2-219418784-G-T. GRCh37 (hg19) VCF-style: chr2-220283506-G-T.
Other names: short protein forms E108*.
Identifiers: ClinVar variation 804737 (VCV000804737.15), dbSNP rs62636490, ClinGen allele CA350685213.